The following is an entry in ClinVar:

ClinVar aggregate classification (germline): Benign/Likely benign. Review status: criteria provided, multiple submitters, no conflicts (2 of 4 stars). 8 submissions from 8 submitters: Benign (2); Likely benign (5). 1 of the submissions does not count toward it. Last evaluated 2025-12-26.

Conditions:
TSC2-related disorder. Also called: TSC2-related condition; TSC2-Related Disorders.
Hereditary cancer-predisposing syndrome. Also called: Tumor predisposition; Hereditary neoplastic syndrome; Neoplastic Syndromes, Hereditary; Hereditary Cancer Syndrome. Identifiers: Orphanet 140162, MedGen C0027672, MeSH D009386, MONDO:0015356.
Tuberous sclerosis 2 (TSC2). Identifiers: Orphanet 805, MedGen C1860707, MONDO:0013199, OMIM 613254.
Tuberous sclerosis syndrome (TSC). Also called: Tuberous Sclerosis Complex; Tuberous sclerosis. Identifiers: Orphanet 805, MedGen C0041341, MONDO:0001734.

Allele frequency attached by ClinVar (database versions not stated): TOPMed 0.00001; ExAC 0.00005.
gnomAD v4.1: 49 of 1,613,002 alleles (0.003%); highest among the groups gnomAD compares: South Asian, 0.053%; no homozygotes.

Submissions (8):

Labcorp Genetics (formerly Invitae), Labcorp
Classification: Benign for Tuberous sclerosis 2. Last evaluated: 2025-12-26. Review status: criteria provided, single submitter. Criteria: Invitae Variant Classification Sherloc (09022015). Collection method: clinical testing. Allele origin: germline.

Myriad Genetics, Inc.
Classification: Likely benign for Tuberous sclerosis 2. Last evaluated: 2024-08-16. Review status: criteria provided, single submitter. Criteria: Myriad Autosomal Dominant, Autosomal Recessive and X-Linked Classification Criteria (2023). Collection method: clinical testing. Allele origin: unknown.
Comment: This variant is considered likely benign. This variant has been observed at a population frequency that is significantly greater than expected given the associated disease prevalence and penetrance.

All of Us Research Program, National Institutes of Health
Classification: Likely benign for Tuberous sclerosis syndrome. Last evaluated: 2023-08-28. Review status: criteria provided, single submitter. Criteria: ACMG Guidelines, 2015. Collection method: clinical testing. Allele origin: germline. Inheritance: Autosomal dominant inheritance. Observed: 2 variant alleles, 2 heterozygotes.
Comment: This study involves interpretation of variants in research participants for the purpose of population health screening. Participant phenotype was not available at the time of variant classification. Additional details can be found in publication PMID: 35346344, PMCID: PMC8962531

Color Diagnostics, LLC DBA Color Health
Classification: Likely benign for Tuberous sclerosis syndrome. Last evaluated: 2022-10-02. Review status: criteria provided, single submitter. Criteria: ACMG Guidelines, 2015. Collection method: clinical testing. Allele origin: germline.

Genome-Nilou Lab
Classification: Benign for Tuberous sclerosis 2. Last evaluated: 2021-11-07. Review status: criteria provided, single submitter. Criteria: ACMG Guidelines, 2015. Collection method: clinical testing. Allele origin: germline. Affected: no.

Blueprint Genetics
Classification: Likely benign. Last evaluated: 2021-07-02. Review status: criteria provided, single submitter. Criteria: ACMG Guidelines, 2015. Collection method: clinical testing. Allele origin: germline.

Ambry Genetics
Classification: Likely benign for Hereditary cancer-predisposing syndrome. Last evaluated: 2019-06-19. Review status: criteria provided, single submitter. Criteria: Ambry Variant Classification Scheme 2023. Collection method: clinical testing. Allele origin: germline.

PreventionGenetics, part of Exact Sciences
Classification: Likely benign for TSC2-related condition. Last evaluated: 2022-07-13. Review status: no assertion criteria provided. Collection method: clinical testing. Allele origin: germline. Not counted in ClinVar's aggregate classification.
Comment: This variant is classified as likely benign based on ACMG/AMP sequence variant interpretation guidelines (Richards et al. 2015 PMID: 25741868, with internal and published modifications).

NM_000548.5(TSC2):c.3490G>T (p.Ala1164Ser)

Gene: TSC2 (TSC complex subunit 2; plus strand). Cytogenetic location: 16p13.3.
Variant type: single nucleotide variant.
Coding change: c.3490G>T on transcript NM_000548.5 (MANE Select); coding-DNA position 3490, G replaced by T.
Protein change: p.Ala1164Ser; replaces alanine 1164 with serine.
Molecular consequence: missense variant.
Genome position (GRCh38, 1-based): chr16:2,080,257, G>T. VCF-style: chr16-2080257-G-T. GRCh37 (hg19) VCF-style: chr16-2130258-G-T.
Other names: c.3358G>T, p.Ala1120Ser (NM_001077183.3, NM_001370404.1); c.3490G>T, p.Ala1164Ser (NM_001114382.3); c.3250G>T, p.Ala1084Ser (NM_001318827.2); c.3214G>T, p.Ala1072Ser (NM_001318829.2); c.2758G>T, p.Ala920Ser (NM_001318831.2); c.3391G>T, p.Ala1131Ser (NM_001318832.2); c.3361G>T, p.Ala1121Ser (NM_001363528.2, NM_001370405.1, NM_021055.3); c.3490G>T (NM_000548.4); short protein forms A1084S, A1120S, A1131S, A1164S, A1072S, A1121S, A920S.
Identifiers: ClinVar variation 772079 (VCV000772079.24), dbSNP rs776579875, ClinGen allele CA047172.